The following is an entry in ClinVar:

ClinVar aggregate classification (germline): Uncertain significance (1 of 4 stars; one submission).

Submission:

CeGaT Center for Human Genetics Tuebingen
Classification: Uncertain significance. Last evaluated: 2024-03-01. Review status: criteria provided, single submitter. Criteria: CeGaT Center For Human Genetics Tuebingen Variant Classification Criteria Version 2. Collection method: clinical testing. Allele origin: germline. Affected: yes. Observed: 1 variant allele.
Comment: KIF2A: PM2

NM_001098511.3(KIF2A):c.1796G>A (p.Gly599Asp)

Gene: KIF2A (kinesin family member 2A; plus strand). Cytogenetic location: 5q12.1.
Variant type: single nucleotide variant.
Coding change: c.1796G>A on transcript NM_001098511.3 (MANE Select); coding-DNA position 1796, G replaced by A.
Protein change: p.Gly599Asp; replaces glycine 599 with aspartic acid.
Molecular consequence: missense variant.
Genome position (GRCh38, 1-based): chr5:62,373,722, G>A. VCF-style: chr5-62373722-G-A. GRCh37 (hg19) VCF-style: chr5-61669549-G-A.
Other names: c.1601G>A, p.Gly534Asp (NM_001243952.2); c.1625G>A, p.Gly542Asp (NM_001243953.2); c.1682G>A, p.Gly561Asp (NM_004520.5); short protein forms G534D, G542D, G561D, G599D.
Identifiers: ClinVar variation 3067764 (VCV003067764.21), dbSNP rs2531384139, ClinGen allele CA359821369.
Genomic context (GRCh38, chr5:62,373,722, plus strand): 5'-TTAGATACCTCTTATGTATTTATAGGGTCAAAGAATTGACTGTAGATCCAACTGCTGCTG[G>A]TGATGTTCGTCCAATAATGCACCATCCACCAAACCAGATTGATGACTTAGAGACACAGTG-3'
Protein context (NP_001091981.1, residues 589-609): KELTVDPTAA[Gly599Asp]DVRPIMHHPP